The following is an entry in ClinVar:

ClinVar aggregate classification (germline): Uncertain significance. Review status: criteria provided, multiple submitters, no conflicts (2 of 4 stars). 4 submissions from 4 submitters: Uncertain significance (4). Last evaluated 2023-01-05.

Conditions:
Inborn genetic diseases. Identifiers: MedGen C0950123, MeSH D030342.
Neuropathy, hereditary sensory and autonomic, type 1C. Also called: HSAN IC; HSN IC. Identifiers: Orphanet 36386, MedGen C3150896, MONDO:0013337, OMIM 613640.

Allele frequency attached by ClinVar (database versions not stated): gnomAD exomes 0.00001; TOPMed 0.00001; gnomAD 0.00002.
gnomAD v4.1: 14 of 1,614,024 alleles (0.00087%); highest among the groups gnomAD compares: African/African-American, 0.0013%; no homozygotes.

Submissions (4):

Labcorp Genetics (formerly Invitae), Labcorp
Classification: Uncertain significance for Neuropathy, hereditary sensory and autonomic, type 1C. Last evaluated: 2023-01-05. Review status: criteria provided, single submitter. Criteria: Invitae Variant Classification Sherloc (09022015). Collection method: clinical testing. Allele origin: germline.
Comment: In summary, the available evidence is currently insufficient to determine the role of this variant in disease. Therefore, it has been classified as a Variant of Uncertain Significance. Advanced modeling of protein sequence and biophysical properties (such as structural, functional, and spatial information, amino acid conservation, physicochemical variation, residue mobility, and thermodynamic stability) performed at Invitae indicates that this missense variant is not expected to disrupt SPTLC2 protein function. ClinVar contains an entry for this variant (Variation ID: 1213562). This variant has not been reported in the literature in individuals affected with SPTLC2-related conditions. This variant is present in population databases (no rsID available, gnomAD 0.007%). This sequence change replaces isoleucine, which is neutral and non-polar, with valine, which is neutral and non-polar, at codon 324 of the SPTLC2 protein (p.Ile324Val).

Ambry Genetics
Classification: Uncertain significance for Inborn genetic diseases. Last evaluated: 2021-07-30. Review status: criteria provided, single submitter. Criteria: Ambry Variant Classification Scheme 2023. Collection method: clinical testing. Allele origin: germline.
Comment: The p.I324V variant (also known as c.970A>G), located in coding exon 8 of the SPTLC2 gene, results from an A to G substitution at nucleotide position 970. The isoleucine at codon 324 is replaced by valine, an amino acid with highly similar properties. This amino acid position is conserved. In addition, the in silico prediction for this alteration is inconclusive. Since supporting evidence is limited at this time, the clinical significance of this alteration remains unclear.

CENTOGENE GmbH and LLC - Guiding Precision Medicine
Classification: Uncertain significance for Neuropathy, hereditary sensory and autonomic, type 1C. Last evaluated: 2019-07-03. Review status: criteria provided, single submitter. Criteria: ACMG Guidelines, 2015. Collection method: clinical testing. Allele origin: paternal. Affected: yes.

GeneDx
Classification: Uncertain significance. Last evaluated: 2019-06-10. Review status: criteria provided, single submitter. Criteria: GeneDx Variant Classification Process June 2021. Collection method: clinical testing. Allele origin: germline. Affected: yes.
Comment: In silico analysis, which includes protein predictors and evolutionary conservation, supports that this variant does not alter protein structure/function; Has not been previously published as pathogenic or benign to our knowledge

NM_004863.4(SPTLC2):c.970A>G (p.Ile324Val)

Gene: SPTLC2 (serine palmitoyltransferase long chain base subunit 2; minus strand). Cytogenetic location: 14q24.3.
Variant type: single nucleotide variant.
Coding change: c.970A>G on transcript NM_004863.4 (MANE Select); coding-DNA position 970, A replaced by G.
Protein change: p.Ile324Val; replaces isoleucine 324 with valine.
Molecular consequence: missense variant.
Genome position (GRCh38, 1-based): chr14:77,555,506, T>C on the plus strand (A>G on the coding strand, the complement: SPTLC2 is on the minus strand). VCF-style: chr14-77555506-T-C. GRCh37 (hg19) VCF-style: chr14-78021849-T-C.
Other names: short protein forms I324V.
Identifiers: ClinVar variation 1213562 (VCV001213562.9), dbSNP rs1488039133, ClinGen allele CA390709263.
Genomic context (GRCh38, chr14:77,555,506, plus strand): 5'-CCAGATACAAGTATGCCTTGTATTTCTTCTTGAGGGCAATCACTTCAGGAAGACGAACAA[T>C]AGATCCCTCCATGCTGGCAAAACATGAAAAAATATATATATACACATATACACTGAGACT-3'
Protein context (NP_004854.1, residues 314-334): VEGIYSMEGS[Ile324Val]VRLPEVIALK